The following is an entry in ClinVar:

NM_000051.4(ATM):c.6399dup (p.Ser2134fs)

Genes: ATM (ATM serine/threonine kinase; plus strand), C11orf65 (chromosome 11 open reading frame 65; minus strand). Cytogenetic location: 11q22.3.
Variant type: Duplication.
Coding change: c.6399dup on transcript NM_000051.4 (MANE Select); coding-DNA position 6399, one base duplicated (A; older notation c.6399dupA).
Protein change: p.Ser2134fs; shifts the reading frame from serine 2134.
Molecular consequence: frameshift variant. On other transcripts: intron variant (2).
Genome position (GRCh38, 1-based): chr11:108,320,005, A duplicated; the last of 2 consecutive A bases (chr11:108,320,004-108,320,005); duplicating either gives the same sequence. VCF-style (leftmost placement, unchanged base first): chr11-108320003-C-CA. GRCh37 (hg19) VCF-style: chr11-108190730-C-CA.
Other names: c.6399dup, p.Ser2134fs (NM_001351834.2); c.641-10933dup (NM_001330368.2); c.*39-10933dup (NM_001351110.2); c.6399dupA (NM_000051.3); short protein forms S2134fs.
Identifiers: ClinVar variation 482759 (VCV000482759.7), dbSNP rs1555116451, ClinGen allele CA658656226.

ClinVar aggregate classification (germline): Pathogenic. Review status: criteria provided, multiple submitters, no conflicts (2 of 4 stars). 2 submissions from 2 submitters: Pathogenic (2). Last evaluated 2024-01-29.

Conditions:
Hereditary cancer-predisposing syndrome. Also called: Neoplastic Syndromes, Hereditary; Hereditary Cancer Syndrome; Tumor predisposition; Hereditary neoplastic syndrome. Identifiers: Orphanet 140162, MedGen C0027672, MeSH D009386, MONDO:0015356.
Familial cancer of breast. Also called: Hereditary breast cancer; BREAST CANCER, FAMILIAL; hereditary breast carcinoma. Identifiers: Orphanet 227535, MedGen C0346153, MONDO:0016419, OMIM 114480. Disease mechanism: loss of function.

Submissions (2):

Myriad Genetics, Inc.
Classification: Pathogenic for Familial cancer of breast. Last evaluated: 2024-01-29. Review status: criteria provided, single submitter. Criteria: Myriad Autosomal Dominant, Autosomal Recessive and X-Linked Classification Criteria (2023). Collection method: clinical testing. Allele origin: unknown.
Comment: This variant is considered pathogenic. This variant creates a frameshift predicted to result in premature protein truncation.

Ambry Genetics
Classification: Pathogenic for Hereditary cancer-predisposing syndrome. Last evaluated: 2017-09-20. Review status: criteria provided, single submitter. Criteria: Ambry Variant Classification Scheme 2023. Collection method: clinical testing. Allele origin: germline.
Comment: The c.6399dupA pathogenic mutation, located in coding exon 43 of the ATM gene, results from a duplication of A at nucleotide position 6399, causing a translational frameshift with a predicted alternate stop codon (p.S2134Ifs*12). This alteration is expected to result in loss of function by premature protein truncation or nonsense-mediated mRNA decay. As such, this alteration is interpreted as a disease-causing mutation.